The following is an entry in ClinVar:

ClinVar aggregate classification (germline): Conflicting classifications of pathogenicity. Review status: criteria provided, conflicting classifications (1 of 4 stars). 3 submissions from 3 submitters: Likely pathogenic (1); Uncertain significance (1). 1 of the submissions does not count toward it. Last evaluated 2026-08-04.

Conditions:
Neuronopathy, distal hereditary motor, autosomal recessive 8. Also called: SORBITOL DEHYDROGENASE DEFICIENCY; NEUROPATHY, DISTAL HEREDITARY MOTOR, AUTOSOMAL RECESSIVE 8; SORBITOL DEHYDROGENASE DEFICIENCY WITH PERIPHERAL NEUROPATHY. Identifiers: Orphanet 700508, MedGen C5394466, MONDO:0030055, OMIM 618912.

Allele frequency attached by ClinVar (database versions not stated): gnomAD 0.00001; gnomAD exomes 0.00001.
gnomAD v4.1: 11 of 1,611,138 alleles (0.00068%); highest among the groups gnomAD compares: African/African-American, 0.0027%; no homozygotes.

Submissions (3):

Department of Neurology, The First Affiliated Hospital of Anhui Medical University
Classification: Likely pathogenic for Neuronopathy, distal hereditary motor, autosomal recessive 8. Last evaluated: 2026-08-04. Review status: criteria provided, single submitter. Criteria: ACMG Guidelines, 2015. Collection method: clinical testing. Allele origin: paternal. Inheritance: Autosomal recessive inheritance. Affected: yes.
Comment: SORD is an established causative gene for autosomal recessive distal hereditary motor neuropathy (HMNR8; OMIM 618912). Biallelic loss-of-function mutations result in SORD protein deficiency and intracellular sorbitol accumulation. Both variants are absent in population databases and predicted deleterious by multiple in silico tools. The clinical phenotype is consistent with SORD-related neuropathy. Based on ACMG/AMP guidelines: PM2 (absent from controls), PM3 (recessive detection in trans), PP3 (multiple in silico predictions support deleterious effect), PP4 (phenotype specific for disease with single genetic etiology).

Women's Health and Genetics/Laboratory Corporation of America, LabCorp
Classification: Uncertain significance. Last evaluated: 2026-04-28. Review status: criteria provided, single submitter. Criteria: LabCorp Variant Classification Summary - May 2015. Collection method: clinical testing. Allele origin: germline.
Comment: Variant summary: SORD c.731C>T (p.Pro244Leu) results in a non-conservative amino acid change in the encoded protein sequence. Algorithms developed to predict the effect of missense changes on protein structure and function are either unavailable or do not agree on the potential impact of this missense change. The variant allele was found at a frequency of 4.1e-06 in 246390 control chromosomes. The available data on variant occurrences in the general population are insufficient to allow any conclusion about variant significance. c.731C>T has been observed in compound heterozygous state in an individual affected with Neuronopathy, distal hereditary motor, autosomal recessive 8 (Liu_2021). These data do not allow any conclusion about variant significance. To our knowledge, no experimental evidence demonstrating an impact on protein function has been reported. The following publication have been ascertained in the context of this evaluation (PMID: 34819907). ClinVar contains an entry for this variant (Variation ID: 2443691). Based on the evidence outlined above, the variant was classified as uncertain significance.

OMIM
Classification: Pathogenic for NEURONOPATHY, DISTAL HEREDITARY MOTOR, AUTOSOMAL RECESSIVE 8. Last evaluated: 2023-10-17. Review status: no assertion criteria provided. Collection method: literature only. Allele origin: germline. Not counted in ClinVar's aggregate classification.

Literature cited by the submitters: PubMed 34819907 (cited by Women's Health and Genetics/Laboratory Corporation of America, LabCorp and OMIM).

NM_003104.6(SORD):c.731C>T (p.Pro244Leu)

Gene: SORD (sorbitol dehydrogenase; plus strand). Cytogenetic location: 15q21.1.
Variant type: single nucleotide variant.
Coding change: c.731C>T on transcript NM_003104.6 (MANE Select); coding-DNA position 731, C replaced by T.
Protein change: p.Pro244Leu; replaces proline 244 with leucine.
Molecular consequence: missense variant. On other transcripts: non-coding transcript variant (1).
Genome position (GRCh38, 1-based): chr15:45,068,997, C>T. VCF-style: chr15-45068997-C-T. GRCh37 (hg19) VCF-style: chr15-45361195-C-T.
Other names: P244L.
Identifiers: ClinVar variation 2443691 (VCV002443691.4), dbSNP rs765674420, ClinGen allele CA392243157.